The following is an entry in ClinVar:

NM_014927.5(CNKSR2):c.2680A>G (p.Ile894Val)

Gene: CNKSR2 (connector enhancer of kinase suppressor of Ras 2; plus strand). Cytogenetic location: Xp22.12.
Variant type: single nucleotide variant.
Coding change: c.2680A>G on transcript NM_014927.5 (MANE Select); coding-DNA position 2680, A replaced by G.
Protein change: p.Ile894Val; replaces isoleucine 894 with valine.
Molecular consequence: missense variant.
Genome position (GRCh38, 1-based): chrX:21,609,605, A>G. VCF-style: chrX-21609605-A-G. GRCh37 (hg19) VCF-style: chrX-21627723-A-G.
Other names: c.2680A>G (NM_014927.3); c.2680A>G, p.Ile894Val (NM_001168648.3); c.2533A>G, p.Ile845Val (NM_001168649.3, NM_001330770.2); c.2443A>G, p.Ile815Val (NM_001330771.2, NM_001330772.2); c.2590A>G, p.Ile864Val (NM_001330773.2, NM_001168647.3); short protein forms I815V, I845V, I864V, I894V.
Identifiers: ClinVar variation 1690389 (VCV001690389.4), dbSNP rs930186060, ClinGen allele CA327425903.

ClinVar aggregate classification (germline): Uncertain significance. Review status: criteria provided, multiple submitters, no conflicts (2 of 4 stars). 3 submissions from 3 submitters: Uncertain significance (3). Last evaluated 2025-06-21.

Conditions:
Inborn genetic diseases. Identifiers: MedGen C0950123, MeSH D030342.

Allele frequency attached by ClinVar (database versions not stated): gnomAD exomes below 0.00001.
gnomAD v4.1: 1 of 1,195,950 alleles (0.000084%); highest among the groups gnomAD compares: Admixed American, 0.0022%; no homozygotes.

Submissions (3):

GeneDx
Classification: Uncertain significance. Last evaluated: 2025-06-21. Review status: criteria provided, single submitter. Criteria: GeneDx Variant Classification Process June 2021. Collection method: clinical testing. Allele origin: germline. Affected: yes.
Comment: Not observed at significant frequency in large population cohorts (gnomAD); In silico analysis suggests that this missense variant does not alter protein structure/function; Has not been previously published as pathogenic or benign to our knowledge

Ambry Genetics
Classification: Uncertain significance for Inborn genetic diseases. Last evaluated: 2025-03-18. Review status: criteria provided, single submitter. Criteria: Ambry Variant Classification Scheme 2023. Collection method: clinical testing. Allele origin: germline.

Laboratorio de Genetica e Diagnostico Molecular, Hospital Israelita Albert Einstein
Classification: Uncertain significance. Last evaluated: 2021-01-28. Review status: criteria provided, single submitter. Criteria: ACMG Guidelines, 2015. Collection method: clinical testing. Allele origin: germline. Affected: yes.
Comment: ACMG classification criteria: PM2, PP2, BP4